The following is an entry in ClinVar:

ClinVar aggregate classification (germline): Likely pathogenic (1 of 4 stars; one submission).

Conditions:
Aicardi-Goutieres syndrome 5. Identifiers: Orphanet 51, MedGen C2749659, MONDO:0013059, OMIM 612952.

Allele frequency attached by ClinVar (database versions not stated): TOPMed 0.00001.

Submission:

Labcorp Genetics (formerly Invitae), Labcorp
Classification: Likely pathogenic for Aicardi-Goutieres syndrome 5. Last evaluated: 2022-03-20. Review status: criteria provided, single submitter. Criteria: Invitae Variant Classification Sherloc (09022015). Collection method: clinical testing. Allele origin: germline.
Comment: In summary, the currently available evidence indicates that the variant is pathogenic, but additional data are needed to prove that conclusively. Therefore, this variant has been classified as Likely Pathogenic. Algorithms developed to predict the effect of sequence changes on RNA splicing suggest that this variant may disrupt the consensus splice site. This variant has not been reported in the literature in individuals affected with SAMHD1-related conditions. This variant is not present in population databases (gnomAD no frequency). This sequence change affects an acceptor splice site in intron 6 of the SAMHD1 gene. It is expected to disrupt RNA splicing. Variants that disrupt the donor or acceptor splice site typically lead to a loss of protein function (PMID: 16199547), and loss-of-function variants in SAMHD1 are known to be pathogenic (PMID: 19525956, 22461318).

Literature cited by the submitters: PubMed 16199547; PubMed 19525956; PubMed 22461318.

NM_015474.4(SAMHD1):c.697-2A>G

Gene: SAMHD1 (SAM and HD domain containing deoxynucleoside triphosphate triphosphohydrolase 1; minus strand). Cytogenetic location: 20q11.23.
Variant type: single nucleotide variant.
Coding change: c.697-2A>G on transcript NM_015474.4 (MANE Select); the canonical splice acceptor site of the intron before coding-DNA position 697, A replaced by G.
Molecular consequence: splice acceptor variant.
Genome position (GRCh38, 1-based): chr20:36,919,521, T>C on the plus strand (A>G on the coding strand, the complement: SAMHD1 is on the minus strand). VCF-style: chr20-36919521-T-C. GRCh37 (hg19) VCF-style: chr20-35547924-T-C.
Other names: c.697-2A>G (NM_001363729.2, NM_001363733.2).
Identifiers: ClinVar variation 1947609 (VCV001947609.5), dbSNP rs1410153662, ClinGen allele CA408846694.